The following is an entry in ClinVar:

ClinVar aggregate classification (germline): Uncertain significance (1 of 4 stars; one submission).

Conditions:
Long QT syndrome (LQTS). Identifiers: MedGen C0023976, MeSH D008133, MONDO:0002442. Disease mechanism: loss of function. Inheritance: Various modes of inheritance.

gnomAD v4.1: 19 of 1,613,896 alleles (0.0012%); highest among the groups gnomAD compares: South Asian, 0.016%; no homozygotes.

Submission:

Labcorp Genetics (formerly Invitae), Labcorp
Classification: Uncertain significance for Long QT syndrome. Last evaluated: 2024-07-09. Review status: criteria provided, single submitter. Criteria: Invitae Variant Classification Sherloc (09022015). Collection method: clinical testing. Allele origin: germline.
Comment: This sequence change replaces isoleucine, which is neutral and non-polar, with threonine, which is neutral and polar, at codon 2804 of the AKAP9 protein (p.Ile2804Thr). This variant is present in population databases (rs779918773, gnomAD 0.01%). This variant has not been reported in the literature in individuals affected with AKAP9-related conditions. An algorithm developed to predict the effect of missense changes on protein structure and function (PolyPhen-2) suggests that this variant is likely to be tolerated. In summary, the available evidence is currently insufficient to determine the role of this variant in disease. Therefore, it has been classified as a Variant of Uncertain Significance.

NM_005751.5(AKAP9):c.8411T>C (p.Ile2804Thr)

Gene: AKAP9 (A-kinase anchoring protein 9; plus strand). Cytogenetic location: 7q21.2.
Variant type: single nucleotide variant.
Coding change: c.8411T>C on transcript NM_005751.5 (MANE Select); coding-DNA position 8411, T replaced by C.
Protein change: p.Ile2804Thr; replaces isoleucine 2804 with threonine.
Molecular consequence: missense variant.
Genome position (GRCh38, 1-based): chr7:92,083,420, T>C. VCF-style: chr7-92083420-T-C. GRCh37 (hg19) VCF-style: chr7-91712734-T-C.
Other names: c.3056T>C, p.Ile1019Thr (NM_001379277.1); c.8387T>C, p.Ile2796Thr (NM_147185.3); short protein forms I1019T, I2796T, I2804T.
Identifiers: ClinVar variation 3616076 (VCV003616076.2).
Genomic context (GRCh38, chr7:92,083,420, plus strand): 5'-GGACTCTGAAGATCAGTAGCAGCAATCAGACTCCACAAATTCTTGTTAAAAATGCAGGAA[T>C]ACAAATTAATTTACAGAGTGAATGTTCCTCAGAAGAAGTTACTGAAATAATCAGTCAGTT-3'
Protein context (NP_005742.4, residues 2794-2814): TPQILVKNAG[Ile2804Thr]QINLQSECSS